The following is an entry in ClinVar:

NM_017849.4(TMEM127):c.5A>G (p.Tyr2Cys)

Genes: TMEM127 (transmembrane protein 127; minus strand), LOC129934333 (ATAC-STARR-seq lymphoblastoid silent region 11759; plus strand). Cytogenetic location: 2q11.2.
Variant type: single nucleotide variant.
Coding change: c.5A>G on transcript NM_017849.4 (MANE Select); coding-DNA position 5, A replaced by G.
Protein change: p.Tyr2Cys; replaces tyrosine 2 with cysteine.
Molecular consequence: missense variant.
Genome position (GRCh38, 1-based): chr2:96,265,377, T>C on the plus strand (A>G on the coding strand, the complement: TMEM127 is on the minus strand). VCF-style: chr2-96265377-T-C. GRCh37 (hg19) VCF-style: chr2-96931115-T-C.
Other names: c.5A>G, p.Tyr2Cys (NM_001193304.3); short protein forms Y2C.
Identifiers: ClinVar variation 826112 (VCV000826112.14), dbSNP rs1368865164, ClinGen allele CA347656363.
Genomic context (GRCh38, chr2:96,265,377, plus strand): 5'-GCGCTGCCTCCCGGGCTCCTCCGCCGGCGCCCGCCGGGCAGCCCTGCGCCTCCGGGGGCG[T>C]ACATGCCCGGGGCCGCCCGCCGTCGCTCCGCAGTCGCTGCTGGTCGCCGCCGACCTCCGC-3'
Protein context (NP_060319.1, residues 1-12): M[Tyr2Cys]APGGAGLPGG

ClinVar aggregate classification (germline): Conflicting classifications of pathogenicity. Review status: criteria provided, conflicting classifications (1 of 4 stars). 3 submissions from 3 submitters: Uncertain significance (2); Likely benign (1). Last evaluated 2022-12-12.

Conditions:
Hereditary cancer-predisposing syndrome. Also called: Neoplastic Syndromes, Hereditary; Tumor predisposition; Hereditary Cancer Syndrome; Hereditary neoplastic syndrome. Identifiers: Orphanet 140162, MedGen C0027672, MeSH D009386, MONDO:0015356.
Hereditary pheochromocytoma and paraganglioma. Also called: Hereditary paragangliomas and pheochromocytomas; Hereditary pheochromocytoma-paraganglioma; Hereditary Paraganglioma-Pheochromocytoma Syndromes. Identifiers: Orphanet 29072, MedGen C4274332, MONDO:0017366.

Allele frequency attached by ClinVar (database versions not stated): TOPMed below 0.00001; gnomAD 0.00001; gnomAD exomes 0.00003 and 0.00004.

Submissions (3):

Blueprint Genetics
Classification: Likely benign. Last evaluated: 2022-12-12. Review status: criteria provided, single submitter. Criteria: ACMG Guidelines, 2015. Collection method: clinical testing. Allele origin: germline.

Ambry Genetics
Classification: Uncertain significance for Hereditary cancer-predisposing syndrome. Last evaluated: 2022-07-28. Review status: criteria provided, single submitter. Criteria: Ambry Variant Classification Scheme 2023. Collection method: clinical testing. Allele origin: germline.
Comment: The p.Y2C variant (also known as c.5A>G), located in coding exon 1 of the TMEM127 gene, results from an A to G substitution at nucleotide position 5. The tyrosine at codon 2 is replaced by cysteine, an amino acid with highly dissimilar properties. This amino acid position is highly conserved in available vertebrate species. In addition, this alteration is predicted to be deleterious by in silico analysis. Since supporting evidence is limited at this time, the clinical significance of this alteration remains unclear.

Labcorp Genetics (formerly Invitae), Labcorp
Classification: Uncertain significance for Hereditary pheochromocytoma and paraganglioma. Last evaluated: 2020-07-01. Review status: criteria provided, single submitter. Criteria: Invitae Variant Classification Sherloc (09022015). Collection method: clinical testing. Allele origin: germline.
Comment: This sequence change replaces tyrosine with cysteine at codon 2 of the TMEM127 protein (p.Tyr2Cys). The tyrosine residue is highly conserved and there is a large physicochemical difference between tyrosine and cysteine. The frequency data for this variant in the population databases is considered unreliable, as metrics indicate insufficient coverage at this position in the ExAC database. This variant has not been reported in the literature in individuals with TMEM127-related conditions. ClinVar contains an entry for this variant (Variation ID: 826112). In summary, the available evidence is currently insufficient to determine the role of this variant in disease. Therefore, it has been classified as a Variant of Uncertain Significance.